The following is an entry in ClinVar:

ClinVar aggregate classification (germline): Benign/Likely benign. Review status: criteria provided, multiple submitters, no conflicts (2 of 4 stars). 3 submissions from 3 submitters: Benign (1); Likely benign (2). Last evaluated 2026-06-02.

Conditions:
Hereditary cancer-predisposing syndrome. Also called: Neoplastic Syndromes, Hereditary; Tumor predisposition; Hereditary Cancer Syndrome; Hereditary neoplastic syndrome. Identifiers: Orphanet 140162, MedGen C0027672, MeSH D009386, MONDO:0015356.
Gastrointestinal stromal tumor. Also called: Gastrointestinal stromal tumor, somatic; Gastrointestinal stroma tumor. Identifiers: Orphanet 44890, MedGen C0238198, MeSH D046152, MONDO:0011719, OMIM 606764, HP:0100723.

Allele frequency attached by ClinVar (database versions not stated): gnomAD exomes 0.00001; ExAC 0.00002; TOPMed below 0.00001.
gnomAD v4.1: 30 of 1,614,174 alleles (0.0019%); highest among the groups gnomAD compares: Non-Finnish European, 0.0023%; no homozygotes.

Submissions (3):

Myriad Genetics, Inc.
Classification: Benign for Gastrointestinal stromal tumor. Last evaluated: 2026-06-02. Review status: criteria provided, single submitter. Criteria: Myriad Autosomal Dominant, Autosomal Recessive and X-Linked Classification Criteria (2023). Collection method: clinical testing. Allele origin: unknown.
Comment: This variant is considered benign. This variant is a silent/synonymous amino acid change and it is not expected to impact splicing.

Labcorp Genetics (formerly Invitae), Labcorp
Classification: Likely benign for Gastrointestinal stromal tumor. Last evaluated: 2025-11-30. Review status: criteria provided, single submitter. Criteria: Invitae Variant Classification Sherloc (09022015). Collection method: clinical testing. Allele origin: germline.

Ambry Genetics
Classification: Likely benign for Hereditary cancer-predisposing syndrome. Last evaluated: 2024-06-07. Review status: criteria provided, single submitter. Criteria: Ambry Variant Classification Scheme 2023. Collection method: clinical testing. Allele origin: germline.

NM_000222.3(KIT):c.183G>A (p.Pro61=)

Gene: KIT (KIT proto-oncogene, receptor tyrosine kinase; plus strand). Cytogenetic location: 4q12.
Variant type: single nucleotide variant.
Coding change: c.183G>A on transcript NM_000222.3 (MANE Select); coding-DNA position 183, G replaced by A.
Protein change: p.Pro61=; no amino-acid change (proline 61 retained).
Molecular consequence: synonymous variant.
Genome position (GRCh38, 1-based): chr4:54,695,627, G>A. VCF-style: chr4-54695627-G-A. GRCh37 (hg19) VCF-style: chr4-55561793-G-A.
Other names: c.183G>A, p.Pro61= (NM_001093772.2, NM_001385284.1, NM_001385285.1 and 4 more transcripts).
Identifiers: ClinVar variation 651529 (VCV000651529.11), dbSNP rs745640513, ClinGen allele CA2923184.
Genomic context (GRCh38, chr4:54,695,627, plus strand): 5'-AGGAAAATCAGACTTAATAGTCCGCGTGGGCGACGAGATTAGGCTGTTATGCACTGATCC[G>A]GGCTTTGTCAAATGGACTTTTGAGATCCTGGATGAAACGAATGAGAATAAGCAGAATGAA-3'
Protein context (NP_000213.1, residues 51-71): GDEIRLLCTD[Pro61=]GFVKWTFEIL